The following is an entry in ClinVar:

ClinVar aggregate classification (germline): Uncertain significance (1 of 4 stars; one submission).

Conditions:
DPYSL2-related disorder. Also called: DPYSL2-related condition.

Submission:

PreventionGenetics, part of Exact Sciences
Classification: Uncertain significance for DPYSL2-related condition. Last evaluated: 2023-09-22. Review status: criteria provided, single submitter. Criteria: ACMG Guidelines, 2015. Collection method: clinical testing. Allele origin: germline.
Comment: The DPYSL2 c.272delG variant is predicted to result in a frameshift and premature protein termination (p.Gly91Glufs*33). To our knowledge, this variant has not been reported in the literature or in a large population database, indicating this variant is rare. Loss of function is not an established mechanism of DPYSL2-related disease. At this time, the clinical significance of this variant is uncertain due to the absence of conclusive functional and genetic evidence.

NM_001197293.3(DPYSL2):c.272del (p.Gly91fs)

Gene: DPYSL2 (dihydropyrimidinase like 2; plus strand). Cytogenetic location: 8p21.2.
Variant type: Deletion.
Coding change: c.272del on transcript NM_001197293.3 (MANE Select); coding-DNA position 272, one base deleted (G; older notation c.272delG).
Protein change: p.Gly91fs; shifts the reading frame from glycine 91.
Molecular consequence: frameshift variant.
Genome position (GRCh38, 1-based): chr8:26,514,597, G deleted; the last of 2 consecutive G bases (chr8:26,514,596-26,514,597); deleting either gives the same sequence. VCF-style (leftmost placement, unchanged base first): chr8-26514595-CG-C. GRCh37 (hg19) VCF-style: chr8-26372111-CG-C.
Other names: short protein forms G91fs.
Identifiers: ClinVar variation 2631158 (VCV002631158.1), dbSNP rs2486816409, ClinGen allele CA2695199658.